The following is an entry in ClinVar:

NM_001009944.3(PKD1):c.7762C>G (p.Leu2588Val)

Gene: PKD1 (polycystin 1, transient receptor potential channel interacting; minus strand). Cytogenetic location: 16p13.3.
Variant type: single nucleotide variant.
Coding change: c.7762C>G on transcript NM_001009944.3 (MANE Select); coding-DNA position 7762, C replaced by G.
Protein change: p.Leu2588Val; replaces leucine 2588 with valine.
Molecular consequence: missense variant.
Genome position (GRCh38, 1-based): chr16:2,105,966, G>C on the plus strand (C>G on the coding strand, the complement: PKD1 is on the minus strand). VCF-style: chr16-2105966-G-C. GRCh37 (hg19) VCF-style: chr16-2155967-G-C.
Other names: c.7762C>G, p.Leu2588Val (NM_000296.4); short protein forms L2588V.
Identifiers: ClinVar variation 2349319 (VCV002349319.3), dbSNP rs1168835336, ClinGen allele CA394367953.

ClinVar aggregate classification (germline): Uncertain significance. Review status: criteria provided, single submitter (1 of 4 stars). 2 submissions from 2 submitters: Uncertain significance (1). 1 of the submissions does not count toward it. Last evaluated 2022-06-09.

Conditions:
Inborn genetic diseases. Identifiers: MedGen C0950123, MeSH D030342.
PKD1-related disorder. Also called: PKD1-related condition.

Submissions (2):

Ambry Genetics
Classification: Uncertain significance for Inborn genetic diseases. Last evaluated: 2022-06-09. Review status: criteria provided, single submitter. Criteria: Ambry Variant Classification Scheme 2023. Collection method: clinical testing. Allele origin: germline.

PreventionGenetics, part of Exact Sciences
Classification: Uncertain significance for PKD1-related condition. Last evaluated: 2024-06-18. Review status: no assertion criteria provided. Collection method: clinical testing. Allele origin: germline. Not counted in ClinVar's aggregate classification.
Comment: The PKD1 c.7762C>G variant is predicted to result in the amino acid substitution p.Leu2588Val. To our knowledge, this variant has not been reported in the literature or in a large population database, indicating this variant is rare. At this time, the clinical significance of this variant is uncertain due to the absence of conclusive functional and genetic evidence.